The following is an entry in ClinVar:

ClinVar aggregate classification (germline): Uncertain significance. Review status: criteria provided, multiple submitters, no conflicts (2 of 4 stars). 2 submissions from 2 submitters: Uncertain significance (2). Last evaluated 2026-04-27.

Conditions:
Hereditary cancer-predisposing syndrome. Also called: Tumor predisposition; Hereditary neoplastic syndrome; Neoplastic Syndromes, Hereditary; Hereditary Cancer Syndrome. Identifiers: Orphanet 140162, MedGen C0027672, MeSH D009386, MONDO:0015356.
Hereditary nonpolyposis colorectal neoplasms. Identifiers: MedGen C0009405, MeSH D003123.

Submissions (2):

Ambry Genetics
Classification: Uncertain significance for Hereditary cancer-predisposing syndrome. Last evaluated: 2026-04-27. Review status: criteria provided, single submitter. Criteria: Ambry Variant Classification Scheme 2023. Collection method: clinical testing. Allele origin: germline.
Comment: The p.K614E variant (also known as c.1840A>G), located in coding exon 11 of the PMS2 gene, results from an A to G substitution at nucleotide position 1840. The lysine at codon 614 is replaced by glutamic acid, an amino acid with similar properties. This amino acid position is conserved. In addition, this alteration is predicted to be tolerated by in silico analysis. Based on the available evidence, the clinical significance of this variant remains unclear.

Labcorp Genetics (formerly Invitae), Labcorp
Classification: Uncertain significance for Hereditary nonpolyposis colorectal neoplasms. Last evaluated: 2023-05-05. Review status: criteria provided, single submitter. Criteria: Invitae Variant Classification Sherloc (09022015). Collection method: clinical testing. Allele origin: germline.
Comment: Advanced modeling of protein sequence and biophysical properties (such as structural, functional, and spatial information, amino acid conservation, physicochemical variation, residue mobility, and thermodynamic stability) has been performed at Invitae for this missense variant, however the output from this modeling did not meet the statistical confidence thresholds required to predict the impact of this variant on PMS2 protein function. This variant has not been reported in the literature in individuals affected with PMS2-related conditions. This variant is not present in population databases (gnomAD no frequency). This sequence change replaces lysine, which is basic and polar, with glutamic acid, which is acidic and polar, at codon 614 of the PMS2 protein (p.Lys614Glu). In summary, the available evidence is currently insufficient to determine the role of this variant in disease. Therefore, it has been classified as a Variant of Uncertain Significance.

NM_000535.7(PMS2):c.1840A>G (p.Lys614Glu)

Gene: PMS2 (PMS1 homolog 2, mismatch repair system component; minus strand). Cytogenetic location: 7p22.1.
Variant type: single nucleotide variant.
Coding change: c.1840A>G on transcript NM_000535.7 (MANE Select); coding-DNA position 1840, A replaced by G.
Protein change: p.Lys614Glu; replaces lysine 614 with glutamic acid.
Molecular consequence: missense variant. On other transcripts: non-coding transcript variant (1), intron variant (1).
Genome position (GRCh38, 1-based): chr7:5,986,925, T>C on the plus strand (A>G on the coding strand, the complement: PMS2 is on the minus strand). VCF-style: chr7-5986925-T-C. GRCh37 (hg19) VCF-style: chr7-6026556-T-C.
Other names: c.1435A>G, p.Lys479Glu (NM_001018040.1, NM_001322003.2, NM_001322004.2 and 17 more transcripts); c.1684A>G, p.Lys562Glu (NM_001322006.2, NM_001406870.1); c.1522A>G, p.Lys508Glu (NM_001322007.2, NM_001322008.2, NM_001406876.1 and 2 more transcripts); c.1279A>G, p.Lys427Glu (NM_001322010.2, NM_001406907.1, NM_001406906.1); c.907A>G, p.Lys303Glu (NM_001322011.2, NM_001322012.2); c.1267A>G, p.Lys423Glu (NM_001322013.2, NM_001406909.1); c.1840A>G, p.Lys614Glu (NM_001322014.2, NM_001406871.1, NM_001406872.1); c.1531A>G, p.Lys511Glu (NM_001322015.2, NM_001406875.1, NM_001406877.1 and 5 more transcripts); and 13 more; short protein forms K303E, K423E, K443E, K502E, K427E, K456E, K548E, K622E.
Identifiers: ClinVar variation 2788318 (VCV002788318.4), dbSNP rs63750490, ClinGen allele CA366739636.